The following is an entry in ClinVar:

NM_001008391.4(CCDC73):c.2786C>T (p.Ser929Phe)

Gene: CCDC73 (coiled-coil domain containing 73; minus strand). Cytogenetic location: 11p13.
Variant type: single nucleotide variant.
Coding change: c.2786C>T on transcript NM_001008391.4 (MANE Select); coding-DNA position 2786, C replaced by T.
Protein change: p.Ser929Phe; replaces serine 929 with phenylalanine.
Molecular consequence: missense variant.
Genome position (GRCh38, 1-based): chr11:32,613,532, G>A on the plus strand (C>T on the coding strand, the complement: CCDC73 is on the minus strand). VCF-style: chr11-32613532-G-A. GRCh37 (hg19) VCF-style: chr11-32635078-G-A.
Other names: short protein forms S929F.
Identifiers: ClinVar variation 2641707 (VCV002641707.24), dbSNP rs149853604, ClinGen allele CA5935090.

ClinVar aggregate classification (germline): Likely benign (1 of 4 stars; one submission).

Allele frequency attached by ClinVar (database versions not stated): ESP Exome Variant Server 0.00245; gnomAD 0.00253; TOPMed 0.00268; ExAC 0.00269; 1000 Genomes Project 30x 0.00312; gnomAD exomes 0.00312; 1000 Genomes Project 0.00319.
gnomAD v4.1: 4,938 of 1,614,104 alleles (0.31%); highest among the groups gnomAD compares: Middle Eastern, 0.78%; 15 homozygotes.

Submission:

CeGaT Center for Human Genetics Tuebingen
Classification: Likely benign. Last evaluated: 2023-01-01. Review status: criteria provided, single submitter. Criteria: CeGaT Center For Human Genetics Tuebingen Variant Classification Criteria Version 2. Collection method: clinical testing. Allele origin: germline. Affected: yes. Observed: 1 variant allele.
Comment: CCDC73: BP4, BS2